The following is an entry in ClinVar:

ClinVar aggregate classification (germline): Uncertain significance (1 of 4 stars; one submission).

Submission:

Ambry Genetics
Classification: Uncertain significance. Last evaluated: 2022-05-12. Review status: criteria provided, single submitter. Criteria: Ambry Variant Classification Scheme 2023. Collection method: clinical testing. Allele origin: germline.
Comment: The p.P757S variant (also known as c.2269C>T), located in coding exon 19 of the BUB1 gene, results from a C to T substitution at nucleotide position 2269. The proline at codon 757 is replaced by serine, an amino acid with similar properties. This amino acid position is conserved. In addition, this alteration is predicted to be tolerated by in silico analysis. Since supporting evidence is limited at this time, the clinical significance of this alteration remains unclear.

NM_004336.5(BUB1):c.2269C>T (p.Pro757Ser)

Gene: BUB1 (BUB1 mitotic checkpoint serine/threonine kinase; minus strand). Cytogenetic location: 2q13.
Variant type: single nucleotide variant.
Coding change: c.2269C>T on transcript NM_004336.5 (MANE Select); coding-DNA position 2269, C replaced by T.
Protein change: p.Pro757Ser; replaces proline 757 with serine.
Molecular consequence: missense variant.
Genome position (GRCh38, 1-based): chr2:110,649,312, G>A on the plus strand (C>T on the coding strand, the complement: BUB1 is on the minus strand). VCF-style: chr2-110649312-G-A. GRCh37 (hg19) VCF-style: chr2-111406889-G-A.
Other names: c.2209C>T, p.Pro737Ser (NM_001278616.2); c.2269C>T, p.Pro757Ser (NM_001278617.2); short protein forms P757S, P737S.
Identifiers: ClinVar variation 1788735 (VCV001788735.2), dbSNP rs2467987337, ClinGen allele CA348209523.